The following is an entry in ClinVar:

ClinVar aggregate classification (germline): Pathogenic (1 of 4 stars; one submission).

Submission:

Labcorp Genetics (formerly Invitae), Labcorp
Classification: Pathogenic. Last evaluated: 2023-02-24. Review status: criteria provided, single submitter. Criteria: Invitae Variant Classification Sherloc (09022015). Collection method: clinical testing. Allele origin: germline.
Comment: For these reasons, this variant has been classified as Pathogenic. This variant has not been reported in the literature in individuals affected with ADGRV1-related conditions. This variant is not present in population databases (gnomAD no frequency). This sequence change creates a premature translational stop signal (p.Arg94Asnfs*8) in the ADGRV1 gene. It is expected to result in an absent or disrupted protein product. Loss-of-function variants in ADGRV1 are known to be pathogenic (PMID: 19357117, 22135276, 22147658, 26226137, 30718709, 31047384, 32467589).

Literature cited by the submitters: PubMed 19357117; PubMed 22135276; PubMed 22147658; PubMed 26226137; PubMed 30718709; PubMed 31047384; PubMed 32467589.

NM_032119.4(ADGRV1):c.281_282del (p.Arg94fs)

Gene: ADGRV1 (adhesion G protein-coupled receptor V1; plus strand). Cytogenetic location: 5q14.3.
Variant type: Deletion.
Coding change: c.281_282del on transcript NM_032119.4 (MANE Select); coding-DNA positions 281 to 282, 2 bases deleted (GA; older notation c.281_282delGA).
Protein change: p.Arg94fs; shifts the reading frame from arginine 94.
Molecular consequence: frameshift variant. On other transcripts: non-coding transcript variant (1).
Genome position (GRCh38, 1-based): chr5:90,617,877-90,617,878, GA deleted; deleting any 2 consecutive bases within chr5:90,617,876-90,617,878 gives the same sequence; the c. name uses the placement nearest the transcript's 3' end. VCF-style (leftmost placement, unchanged base first): chr5-90617875-CAG-C. GRCh37 (hg19) VCF-style: chr5-89913692-CAG-C.
Other names: short protein forms R94fs.
Identifiers: ClinVar variation 2840447 (VCV002840447.3), dbSNP rs2531706845, ClinGen allele CA2739274927.